The following is an entry in ClinVar:

NM_004329.3(BMPR1A):c.-146dup

Gene: BMPR1A (bone morphogenetic protein receptor type 1A; plus strand). Cytogenetic location: 10q23.2.
Variant type: Duplication.
Coding change: c.-146dup on transcript NM_004329.3 (MANE Select); 146 bases upstream of the start codon, one base duplicated (T; older notation c.-146dupT).
Molecular consequence: 5 prime UTR variant.
Genome position (GRCh38, 1-based): chr10:86,875,873, T duplicated. VCF-style (leftmost placement, unchanged base first): chr10-86875872-G-GT. GRCh37 (hg19) VCF-style: chr10-88635629-G-GT.
Other names: c.-146dupT (NM_004329.2).
Identifiers: ClinVar variation 422121 (VCV000422121.1), dbSNP rs1554886782, ClinGen allele CA16618996.

ClinVar aggregate classification (germline): Likely benign (1 of 4 stars; one submission).

Allele frequency attached by ClinVar (database versions not stated): gnomAD exomes 0.00001.

Submission:

GeneDx
Classification: Likely benign. Last evaluated: 2016-08-29. Review status: criteria provided, single submitter. Criteria: GeneDx Variant Classification (06012015). Collection method: clinical testing. Allele origin: germline. Affected: yes.
Comment: This variant is considered likely benign or benign based on one or more of the following criteria: it is a conservative change, it occurs at a poorly conserved position in the protein, it is predicted to be benign by multiple in silico algorithms, and/or has population frequency not consistent with disease.